The following is an entry in ClinVar:

NM_001378030.1(CCDC78):c.860G>A (p.Ser287Asn)

Gene: CCDC78 (coiled-coil domain containing 78; minus strand). Cytogenetic location: 16p13.3.
Variant type: single nucleotide variant.
Coding change: c.860G>A on transcript NM_001378030.1 (MANE Select); coding-DNA position 860, G replaced by A.
Protein change: p.Ser287Asn; replaces serine 287 with asparagine.
Molecular consequence: missense variant. On other transcripts: non-coding transcript variant (5).
Genome position (GRCh38, 1-based): chr16:724,415, C>T on the plus strand (G>A on the coding strand, the complement: CCDC78 is on the minus strand). VCF-style: chr16-724415-C-T. GRCh37 (hg19) VCF-style: chr16-774415-C-T.
Other names: c.860G>A, p.Ser287Asn (NM_001031737.3, NM_001378031.1); c.293G>A, p.Ser98Asn (NM_001378033.1); short protein forms S98N, S287N.
Identifiers: ClinVar variation 2815974 (VCV002815974.3), dbSNP rs1688583528, ClinGen allele CA394100408.

ClinVar aggregate classification (germline): Uncertain significance (1 of 4 stars; one submission).

Conditions:
Congenital myopathy with internal nuclei and atypical cores. Also called: Myopathy, centronuclear, 4. Identifiers: Orphanet 319160, MedGen C4707232, MONDO:0013890, OMIM 614807.

Submission:

Labcorp Genetics (formerly Invitae), Labcorp
Classification: Uncertain significance for Congenital myopathy with internal nuclei and atypical cores. Last evaluated: 2022-11-23. Review status: criteria provided, single submitter. Criteria: Invitae Variant Classification Sherloc (09022015). Collection method: clinical testing. Allele origin: germline.
Comment: This sequence change replaces serine, which is neutral and polar, with asparagine, which is neutral and polar, at codon 287 of the CCDC78 protein (p.Ser287Asn). In summary, the available evidence is currently insufficient to determine the role of this variant in disease. Therefore, it has been classified as a Variant of Uncertain Significance. Advanced modeling of protein sequence and biophysical properties (such as structural, functional, and spatial information, amino acid conservation, physicochemical variation, residue mobility, and thermodynamic stability) performed at Invitae indicates that this missense variant is not expected to disrupt CCDC78 protein function. This variant has not been reported in the literature in individuals affected with CCDC78-related conditions. This variant is not present in population databases (gnomAD no frequency).